The following is an entry in ClinVar:

ClinVar aggregate classification (germline): Uncertain significance (1 of 4 stars; one submission).

Allele frequency attached by ClinVar (database versions not stated): ExAC 0.00001.

Submission:

Labcorp Genetics (formerly Invitae), Labcorp
Classification: Uncertain significance. Last evaluated: 2023-07-03. Review status: criteria provided, single submitter. Criteria: Invitae Variant Classification Sherloc (09022015). Collection method: clinical testing. Allele origin: germline.
Comment: This variant is present in population databases (rs761767474, gnomAD 0.007%). In summary, the available evidence is currently insufficient to determine the role of this variant in disease. Therefore, it has been classified as a Variant of Uncertain Significance. Advanced modeling of protein sequence and biophysical properties (such as structural, functional, and spatial information, amino acid conservation, physicochemical variation, residue mobility, and thermodynamic stability) performed at Invitae indicates that this missense variant is not expected to disrupt LRP5 protein function. ClinVar contains an entry for this variant (Variation ID: 970464). This variant has not been reported in the literature in individuals affected with LRP5-related conditions. This sequence change replaces methionine, which is neutral and non-polar, with leucine, which is neutral and non-polar, at codon 165 of the LRP5 protein (p.Met165Leu).

NM_002335.4(LRP5):c.493A>C (p.Met165Leu)

Gene: LRP5 (LDL receptor related protein 5; plus strand). Cytogenetic location: 11q13.2.
Variant type: single nucleotide variant.
Coding change: c.493A>C on transcript NM_002335.4 (MANE Select); coding-DNA position 493, A replaced by C.
Protein change: p.Met165Leu; replaces methionine 165 with leucine.
Molecular consequence: missense variant. On other transcripts: 5 prime UTR variant (1).
Genome position (GRCh38, 1-based): chr11:68,357,654, A>C. VCF-style: chr11-68357654-A-C. GRCh37 (hg19) VCF-style: chr11-68125122-A-C.
Other names: c.-1273A>C (NM_001291902.2); short protein forms M165L.
Identifiers: ClinVar variation 970464 (VCV000970464.9), dbSNP rs761767474, ClinGen allele CA6149034.